The following is an entry in ClinVar:

NM_000484.4(APP):c.1075C>T (p.Arg359Ter)

Gene: APP (amyloid beta precursor protein; minus strand). Cytogenetic location: 21q21.3.
Variant type: single nucleotide variant.
Coding change: c.1075C>T on transcript NM_000484.4 (MANE Select); coding-DNA position 1075, C replaced by T.
Protein change: p.Arg359Ter; replaces arginine 359 with a stop codon.
Molecular consequence: nonsense. On other transcripts: intron variant (7).
Genome position (GRCh38, 1-based): chr21:25,997,375, G>A on the plus strand (C>T on the coding strand, the complement: APP is on the minus strand). VCF-style: chr21-25997375-G-A. GRCh37 (hg19) VCF-style: chr21-27369690-G-A.
Other names: c.1033+2640C>T (NM_001204302.2, NM_201413.3); c.1018+2640C>T (NM_001136016.3); c.907C>T, p.Arg303Ter (NM_001136130.3, NM_001385253.1); c.1075C>T, p.Arg359Ter (NM_001204301.2); c.761-14898C>T (NM_001136131.3); c.698-14898C>T (NM_001136129.3); c.866-14898C>T (NM_001204303.2, NM_201414.3); short protein forms R303*, R359*.
Identifiers: ClinVar variation 4847190 (VCV004847190.1).

ClinVar aggregate classification (germline): Uncertain significance (1 of 4 stars; one submission).

gnomAD v4.1: 25 of 1,613,874 alleles (0.0015%); highest among the groups gnomAD compares: Admixed American, 0.018%; no homozygotes.

Submission:

Women's Health and Genetics/Laboratory Corporation of America, LabCorp
Classification: Uncertain significance. Last evaluated: 2026-03-16. Review status: criteria provided, single submitter. Criteria: LabCorp Variant Classification Summary - May 2015. Collection method: clinical testing. Allele origin: germline.
Comment: Variant summary: APP c.1075C>T (p.Arg359X) results in a premature termination codon, predicted to cause a truncation of the encoded protein or absence of the protein due to nonsense mediated decay, however current evidence is not sufficient to establish loss of function as a mechanism for disease. The variant allele was found at a frequency of 4.4e-05 in 251384 control chromosomes. This frequency is not significantly higher than estimated for disease-causing variants in APP, allowing no conclusion about variant significance. To our knowledge, no occurrence of c.1075C>T in individuals affected with APP-related conditions and no experimental evidence demonstrating its impact on protein function have been reported. No submitters have cited clinical-significance assessments for this variant to ClinVar. Based on the evidence outlined above, the variant was classified as uncertain significance.